The following is an entry in ClinVar:

ClinVar aggregate classification (germline): Conflicting classifications of pathogenicity. Review status: criteria provided, conflicting classifications (1 of 4 stars). 5 submissions from 5 submitters: Uncertain significance (1); Likely benign (3). 1 of the submissions does not count toward it. Last evaluated 2026-01-28.

Conditions:
Hereditary cancer-predisposing syndrome. Also called: Hereditary Cancer Syndrome; Neoplastic Syndromes, Hereditary; Tumor predisposition; Hereditary neoplastic syndrome. Identifiers: Orphanet 140162, MedGen C0027672, MeSH D009386, MONDO:0015356.
Gorlin syndrome. Also called: Basal cell nevus syndrome; Nevoid Basal Cell Carcinoma Syndrome. Identifiers: Orphanet 377, MedGen C0004779, MONDO:0007187.
PTCH1-related disorder. Also called: PTCH1-related disorders; PTCH1-related condition.

Submissions (5):

Labcorp Genetics (formerly Invitae), Labcorp
Classification: Likely benign for Gorlin syndrome. Last evaluated: 2026-01-28. Review status: criteria provided, single submitter. Criteria: Invitae Variant Classification Sherloc (09022015). Collection method: clinical testing. Allele origin: germline.

Molecular Pathology, Peter Maccallum Cancer Centre
Classification: Uncertain significance for Gorlin syndrome. Last evaluated: 2024-03-22. Review status: criteria provided, single submitter. Criteria: ACMG Guidelines, 2015. Collection method: clinical testing. Allele origin: germline. Inheritance: Autosomal dominant inheritance.

GeneDx
Classification: Likely benign. Last evaluated: 2021-03-15. Review status: criteria provided, single submitter. Criteria: GeneDx Variant Classification Process June 2021. Collection method: clinical testing. Allele origin: germline. Affected: yes.
Comment: In-frame deletion of 3 amino acids in a non-repeat region; In silico analysis, which includes protein predictors and evolutionary conservation, supports that this variant does not alter protein structure/function; Has not been previously published in the germline as pathogenic or benign to our knowledge; This variant is associated with the following publications: (PMID: 29264386)

Ambry Genetics
Classification: Likely benign for Hereditary cancer-predisposing syndrome. Last evaluated: 2019-10-23. Review status: criteria provided, single submitter. Criteria: Ambry Variant Classification Scheme 2023. Collection method: clinical testing. Allele origin: germline.

PreventionGenetics, part of Exact Sciences
Classification: Likely benign for PTCH1-related condition. Last evaluated: 2023-02-03. Review status: no assertion criteria provided. Collection method: clinical testing. Allele origin: germline. Not counted in ClinVar's aggregate classification.
Comment: This variant is classified as likely benign based on ACMG/AMP sequence variant interpretation guidelines (Richards et al. 2015 PMID: 25741868, with internal and published modifications).

NM_000264.5(PTCH1):c.40GGC[1] (p.Gly15_Gly17del)

Genes: PTCH1 (patched 1; minus strand), LOC130002133 (ATAC-STARR-seq lymphoblastoid silent region 20071; plus strand). Cytogenetic location: 9q22.32.
Variant type: Microsatellite.
Coding change: c.40GGC[1] on transcript NM_000264.5 (MANE Select); one copy of the 3-base unit GGC starting at c.40; the reference has four copies in a row; three copies, 9 bases deleted; also written c.43_51del.
Protein change: p.Gly15_Gly17del.
Molecular consequence: inframe deletion. On other transcripts: non-coding transcript variant (1), intron variant (3).
Genome position (GRCh38, 1-based): chr9:95,508,311-95,508,319, GCCGCCGCC deleted on the plus strand (GGCGGCGGC on the coding strand, the reverse complement: PTCH1 is on the minus strand); deleting any 9 consecutive bases within chr9:95,508,311-95,508,324 gives the same sequence; the position shown is the placement nearest the transcript's 3' end. VCF-style (leftmost placement, unchanged base first): chr9-95508310-TGCCGCCGCC-T. GRCh37 (hg19) VCF-style: chr9-98270592-TGCCGCCGCC-T.
Other names: c.43_51del (NM_000264.3); c.40GGC[1], p.Gly15_Gly17del (NM_001354918.2); c.4-1720_4-1712del (NM_001354919.2, NM_001083602.3); c.199-1720_199-1712del (NM_001083603.3); c.43_51del9 (NM_000264.3).
Identifiers: ClinVar variation 188284 (VCV000188284.22), dbSNP rs756897237, ClinGen allele CA334520.